The following is an entry in ClinVar:

ClinVar aggregate classification (germline): Uncertain significance (1 of 4 stars; one submission).

Allele frequency attached by ClinVar (database versions not stated): gnomAD exomes below 0.00001; TOPMed below 0.00001; gnomAD 0.00001.
gnomAD v4.1: 8 of 1,613,988 alleles (0.0005%); highest among the groups gnomAD compares: South Asian, 0.0011%; no homozygotes.

Submission:

Labcorp Genetics (formerly Invitae), Labcorp
Classification: Uncertain significance. Last evaluated: 2021-03-17. Review status: criteria provided, single submitter. Criteria: Invitae Variant Classification Sherloc (09022015). Collection method: clinical testing. Allele origin: germline.
Comment: This sequence change replaces leucine with valine at codon 4499 of the USH2A protein (p.Leu4499Val). The leucine residue is highly conserved and there is a small physicochemical difference between leucine and valine. This variant is not present in population databases (ExAC no frequency). This variant has not been reported in the literature in individuals with USH2A-related disease. Algorithms developed to predict the effect of missense changes on protein structure and function output the following: SIFT: "Deleterious"; PolyPhen-2: "Possibly Damaging"; Align-GVGD: "Class C25". The valine amino acid residue is found in multiple mammalian species, suggesting that this missense change does not adversely affect protein function. These predictions have not been confirmed by published functional studies and their clinical significance is uncertain. In summary, the available evidence is currently insufficient to determine the role of this variant in disease. Therefore, it has been classified as a Variant of Uncertain Significance.

NM_206933.4(USH2A):c.13495C>G (p.Leu4499Val)

Gene: USH2A (usherin; minus strand). Cytogenetic location: 1q41.
Variant type: single nucleotide variant.
Coding change: c.13495C>G on transcript NM_206933.4 (MANE Select); coding-DNA position 13495, C replaced by G.
Protein change: p.Leu4499Val; replaces leucine 4499 with valine.
Molecular consequence: missense variant.
Genome position (GRCh38, 1-based): chr1:215,674,416, G>C on the plus strand (C>G on the coding strand, the complement: USH2A is on the minus strand). VCF-style: chr1-215674416-G-C. GRCh37 (hg19) VCF-style: chr1-215847758-G-C.
Other names: short protein forms L4499V.
Identifiers: ClinVar variation 2145586 (VCV002145586.1), dbSNP rs981361092, ClinGen allele CA37412386.
Genomic context (GRCh38, chr1:215,674,416, plus strand): 5'-AAATACCCCCTTGGCTGTTGCTGGCAGTTACTGTGTAGCTATACTCCACACCTGGGGTGA[G>C]AGTAAAATCACGATAGCGTGTTTCCAAGCCTGTATATACAATGGTTCCATCCCTCCTAAG-3'
Protein context (NP_996816.3, residues 4489-4509): GLETRYRDFT[Leu4499Val]TPGVEYSYTV